The following is an entry in ClinVar:

ClinVar aggregate classification (germline): Uncertain significance (1 of 4 stars; one submission).

Allele frequency attached by ClinVar (database versions not stated): gnomAD exomes below 0.00001.

Submission:

Labcorp Genetics (formerly Invitae), Labcorp
Classification: Uncertain significance. Last evaluated: 2023-10-03. Review status: criteria provided, single submitter. Criteria: Invitae Variant Classification Sherloc (09022015). Collection method: clinical testing. Allele origin: germline.
Comment: This sequence change replaces arginine, which is basic and polar, with cysteine, which is neutral and slightly polar, at codon 1751 of the CHD8 protein (p.Arg1751Cys). This variant is not present in population databases (gnomAD no frequency). This variant has not been reported in the literature in individuals affected with CHD8-related conditions. Advanced modeling of protein sequence and biophysical properties (such as structural, functional, and spatial information, amino acid conservation, physicochemical variation, residue mobility, and thermodynamic stability) performed at Invitae indicates that this missense variant is expected to disrupt CHD8 protein function. In summary, the available evidence is currently insufficient to determine the role of this variant in disease. Therefore, it has been classified as a Variant of Uncertain Significance.

NM_001170629.2(CHD8):c.5251C>T (p.Arg1751Cys)

Gene: CHD8 (chromodomain helicase DNA binding protein 8; minus strand). Cytogenetic location: 14q11.2.
Variant type: single nucleotide variant.
Coding change: c.5251C>T on transcript NM_001170629.2 (MANE Select); coding-DNA position 5251, C replaced by T.
Protein change: p.Arg1751Cys; replaces arginine 1751 with cysteine.
Molecular consequence: missense variant.
Genome position (GRCh38, 1-based): chr14:21,395,051, G>A on the plus strand (C>T on the coding strand, the complement: CHD8 is on the minus strand). VCF-style: chr14-21395051-G-A. GRCh37 (hg19) VCF-style: chr14-21863210-G-A.
Other names: c.4414C>T, p.Arg1472Cys (NM_020920.4); short protein forms R1751C, R1472C.
Identifiers: ClinVar variation 2992179 (VCV002992179.3), dbSNP rs2501863281, ClinGen allele CA388884177.